The following is an entry in ClinVar:

ClinVar aggregate classification (germline): Uncertain significance (1 of 4 stars; one submission).

Conditions:
Nephronophthisis 15 (NPHP15). Identifiers: Orphanet 3156, MedGen C3541853, MONDO:0013917, OMIM 614845.

Submission:

Labcorp Genetics (formerly Invitae), Labcorp
Classification: Uncertain significance for Nephronophthisis 15. Last evaluated: 2022-10-05. Review status: criteria provided, single submitter. Criteria: Invitae Variant Classification Sherloc (09022015). Collection method: clinical testing. Allele origin: germline.
Comment: In summary, the available evidence is currently insufficient to determine the role of this variant in disease. Therefore, it has been classified as a Variant of Uncertain Significance. Algorithms developed to predict the effect of missense changes on protein structure and function output the following: SIFT: "Tolerated"; PolyPhen-2: "Benign"; Align-GVGD: "Class C0". The proline amino acid residue is found in multiple mammalian species, which suggests that this missense change does not adversely affect protein function. This variant has not been reported in the literature in individuals affected with CEP164-related conditions. This variant is not present in population databases (gnomAD no frequency). This sequence change replaces serine, which is neutral and polar, with proline, which is neutral and non-polar, at codon 359 of the CEP164 protein (p.Ser359Pro).

NM_014956.5(CEP164):c.1075T>C (p.Ser359Pro)

Gene: CEP164 (centrosomal protein 164; plus strand). Cytogenetic location: 11q23.3.
Variant type: single nucleotide variant.
Coding change: c.1075T>C on transcript NM_014956.5 (MANE Select); coding-DNA position 1075, T replaced by C.
Protein change: p.Ser359Pro; replaces serine 359 with proline.
Molecular consequence: missense variant.
Genome position (GRCh38, 1-based): chr11:117,371,389, T>C. VCF-style: chr11-117371389-T-C. GRCh37 (hg19) VCF-style: chr11-117242105-T-C.
Other names: c.1075T>C, p.Ser359Pro (NM_001271933.2); short protein forms S359P.
Identifiers: ClinVar variation 1969625 (VCV001969625.5), dbSNP rs2541197302, ClinGen allele CA382737896.